The following is an entry in ClinVar:

NM_001283009.2(RTEL1):c.1406G>A (p.Arg469His)

Genes: RTEL1 (regulator of telomere elongation helicase 1; plus strand), RTEL1-TNFRSF6B (RTEL1-TNFRSF6B readthrough (NMD candidate); plus strand). Cytogenetic location: 20q13.33.
Variant type: single nucleotide variant.
Coding change: c.1406G>A on transcript NM_001283009.2 (MANE Select); coding-DNA position 1406, G replaced by A.
Protein change: p.Arg469His; replaces arginine 469 with histidine.
Molecular consequence: missense variant. On other transcripts: non-coding transcript variant (1).
Genome position (GRCh38, 1-based): chr20:63,687,695, G>A. VCF-style: chr20-63687695-G-A. GRCh37 (hg19) VCF-style: chr20-62319048-G-A.
Other names: c.737G>A, p.Arg246His (NM_001283010.1); c.1406G>A, p.Arg469His (NM_016434.4); c.1478G>A, p.Arg493His (NM_032957.5); short protein forms R246H, R469H, R493H.
Identifiers: ClinVar variation 3762158 (VCV003762158.3).

ClinVar aggregate classification (germline): Uncertain significance. Review status: criteria provided, multiple submitters, no conflicts (2 of 4 stars). 2 submissions from 2 submitters: Uncertain significance (2). Last evaluated 2025-06-06.

Conditions:
Pulmonary fibrosis and/or bone marrow failure, Telomere-related, 3. Also called: PULMONARY FIBROSIS AND/OR BONE MARROW FAILURE SYNDROME, TELOMERE-RELATED, 3. Identifiers: Orphanet 2032, MedGen C4225346, MONDO:0014613, OMIM 616373.
Dyskeratosis congenita, autosomal recessive 5 (DKCB5). Identifiers: MedGen C3554656, MONDO:0014076, OMIM 615190.
Inborn genetic diseases. Identifiers: MedGen C0950123, MeSH D030342.

gnomAD v4.1: 15 of 1,607,194 alleles (0.00093%); highest among the groups gnomAD compares: African/African-American, 0.0067%; no homozygotes.

Submissions (2):

Labcorp Genetics (formerly Invitae), Labcorp
Classification: Uncertain significance for Dyskeratosis congenita, autosomal recessive 5; Pulmonary fibrosis and/or bone marrow failure, Telomere-related, 3. Last evaluated: 2025-06-06. Review status: criteria provided, single submitter. Criteria: Invitae Variant Classification Sherloc (09022015). Collection method: clinical testing. Allele origin: germline.
Comment: This sequence change replaces arginine, which is basic and polar, with histidine, which is basic and polar, at codon 469 of the RTEL1 protein (p.Arg469His). The frequency data for this variant in the population databases is considered unreliable, as metrics indicate poor data quality at this position in the gnomAD database. This variant has not been reported in the literature in individuals affected with RTEL1-related conditions. ClinVar contains an entry for this variant (Variation ID: 3762158). An algorithm developed to predict the effect of missense changes on protein structure and function outputs the following: PolyPhen-2: "Benign". The histidine amino acid residue is found in multiple mammalian species, which suggests that this missense change does not adversely affect protein function. In summary, the available evidence is currently insufficient to determine the role of this variant in disease. Therefore, it has been classified as a Variant of Uncertain Significance.

Ambry Genetics
Classification: Uncertain significance for Inborn genetic diseases. Last evaluated: 2025-02-07. Review status: criteria provided, single submitter. Criteria: Ambry Variant Classification Scheme 2023. Collection method: clinical testing. Allele origin: germline.
Comment: The p.R469H variant (also known as c.1406G>A), located in coding exon 16 of the RTEL1 gene, results from a G to A substitution at nucleotide position 1406. The arginine at codon 469 is replaced by histidine, an amino acid with highly similar properties. This amino acid position is conserved. In addition, this alteration is predicted to be tolerated by in silico analysis. Based on the available evidence, the clinical significance of this variant remains unclear.